The following is an entry in ClinVar:

ClinVar aggregate classification (germline): Conflicting classifications of pathogenicity. Review status: criteria provided, conflicting classifications (1 of 4 stars). 3 submissions from 3 submitters: Likely pathogenic (1); Uncertain significance (2). Last evaluated 2023-06-05.

Conditions:
RFT1-congenital disorder of glycosylation (CDG1N). Also called: RFT1-CDG; Congenital disorder of glycosylation type In; CDG In. Identifiers: Orphanet 244310, MedGen C2677590, MONDO:0012783, OMIM 612015.

Allele frequency attached by ClinVar (database versions not stated): gnomAD 0.00002; gnomAD exomes 0.00003 and 0.00012; TOPMed 0.00006; ExAC 0.00013.
gnomAD v4.1: 49 of 1,614,166 alleles (0.003%); highest among the groups gnomAD compares: Admixed American, 0.047%; no homozygotes.

Submissions (3):

Women's Health and Genetics/Laboratory Corporation of America, LabCorp
Classification: Uncertain significance. Last evaluated: 2023-06-05. Review status: criteria provided, single submitter. Criteria: LabCorp Variant Classification Summary - May 2015. Collection method: clinical testing. Allele origin: germline.
Comment: Variant summary: RFT1 c.200G>A (p.Arg67His) results in a non-conservative amino acid change in the encoded protein sequence. Five of five in-silico tools predict a damaging effect of the variant on protein function. The variant allele was found at a frequency of 0.00012 in 251426 control chromosomes. To our knowledge, no occurrence of c.200G>A in individuals affected with RFT1-Congenital Disorder Of Glycosylation and no experimental evidence demonstrating its impact on protein function have been reported. Another change affecting the same amino acid (p.R67C) has been associated with pathogenicity in ClinVar. However the evidence is currently insufficient to determine the role of this variant in disease. Two clinical diagnostic laboratories have submitted clinical-significance assessments for this variant to ClinVar after 2014. One laboratory classified the variant as likely pathogenic, and one laboratory classified the variant as uncertain significance. Based on the evidence outlined above, the variant was classified as uncertain significance.

Labcorp Genetics (formerly Invitae), Labcorp
Classification: Uncertain significance for RFT1-congenital disorder of glycosylation. Last evaluated: 2022-08-12. Review status: criteria provided, single submitter. Criteria: Invitae Variant Classification Sherloc (09022015). Collection method: clinical testing. Allele origin: germline.
Comment: This sequence change replaces arginine, which is basic and polar, with histidine, which is basic and polar, at codon 67 of the RFT1 protein (p.Arg67His). This variant is present in population databases (rs753527390, gnomAD 0.08%). This variant has not been reported in the literature in individuals affected with RFT1-related conditions. ClinVar contains an entry for this variant (Variation ID: 372948). Algorithms developed to predict the effect of missense changes on protein structure and function are either unavailable or do not agree on the potential impact of this missense change (SIFT: "Deleterious"; PolyPhen-2: "Probably Damaging"; Align-GVGD: "Class C0"). This variant disrupts the p.Arg67 amino acid residue in RFT1. Other variant(s) that disrupt this residue have been determined to be pathogenic (PMID: 18313027, 19267216, 30653653). This suggests that this residue is clinically significant, and that variants that disrupt this residue are likely to be disease-causing. In summary, the available evidence is currently insufficient to determine the role of this variant in disease. Therefore, it has been classified as a Variant of Uncertain Significance.

GeneDx
Classification: Likely pathogenic. Last evaluated: 2016-06-08. Review status: criteria provided, single submitter. Criteria: GeneDx Variant Classification (06012015). Collection method: clinical testing. Allele origin: germline. Affected: yes.
Comment: The R67H variant in the RFT1 gene has not been reported previously as a pathogenic variant, nor as a benign variant, to our knowledge. The R67H variant was not observed in approximately 6,500 individuals of European and African American ancestry in the NHLBI Exome Sequencing Project, indicating it is not a common benign variant in these populations. The R67H variant is a conservative amino acid substitution, which is not likely to impact secondary protein structure as these residues share similar properties. However, this substitution occurs at a position that is conserved across species, and in silico analysis predicts this variant is probably damaging to the protein structure/function. A missense variant in the same residue (R67C) has been reported in association with congenital disorders of glycosylation when seen in the homozygous state and studies have shown reduced function for the R67C variant (Haeuptle et al., 2008; Vleugels et al., 2009), supporting the functional importance of this residue. The R67H variant is a strong candidate for a pathogenic variant, however the possibility it may be a rare benign variant cannot be excluded.

Literature cited by the submitters: PubMed 18313027 (cited by Labcorp Genetics (formerly Invitae), Labcorp); PubMed 19267216 (cited by Labcorp Genetics (formerly Invitae), Labcorp); PubMed 30653653 (cited by Labcorp Genetics (formerly Invitae), Labcorp).

NM_052859.4(RFT1):c.200G>A (p.Arg67His)

Gene: RFT1 (RFT1 glycolipid translocator homolog; minus strand). Cytogenetic location: 3p21.1.
Variant type: single nucleotide variant.
Coding change: c.200G>A on transcript NM_052859.4 (MANE Select); coding-DNA position 200, G replaced by A.
Protein change: p.Arg67His; replaces arginine 67 with histidine.
Molecular consequence: missense variant.
Genome position (GRCh38, 1-based): chr3:53,123,790, C>T on the plus strand (G>A on the coding strand, the complement: RFT1 is on the minus strand). VCF-style: chr3-53123790-C-T. GRCh37 (hg19) VCF-style: chr3-53157806-C-T.
Other names: short protein forms R67H.
Identifiers: ClinVar variation 372948 (VCV000372948.3), dbSNP rs753527390, ClinGen allele CA2451510.